The following is an entry in ClinVar:

NM_033380.3(COL4A5):c.2042del

Gene: COL4A5 (collagen type IV alpha 5 chain; plus strand). Cytogenetic location: Xq22.3.
Variant type: Deletion.
Coding change: c.2042del on transcript NM_033380.3 (MANE Select); coding-DNA position 2042, one base deleted (G; older notation c.2042delG).
Molecular consequence: splice acceptor variant.
Genome position (GRCh38, 1-based): chrX:108,601,885, G deleted; the last of 2 consecutive G bases (chrX:108,601,884-108,601,885); deleting either gives the same sequence. VCF-style (leftmost placement, unchanged base first): chrX-108601883-AG-A. GRCh37 (hg19) VCF-style: chrX-107845113-AG-A.
Identifiers: ClinVar variation 4532140 (VCV004532140.1).
Genomic context (GRCh38, chrX:108,601,883, plus strand): 5'-CCTGGCCCTGATGGCTTCTTTCTTTGAACGTTTTCCTTTCAATAACTGCTGTTTCTCCAT[AG>A]GTGACCCTGGACTTCCAGGGCAACCAGGCTTGCCAGGGATACCTGGTAGCAAAGGAGAAC-3'

ClinVar aggregate classification (germline): Pathogenic (1 of 4 stars; one submission).

Conditions:
X-linked Alport syndrome (ATS1). Also called: NEPHROPATHY AND DEAFNESS, X-LINKED; COL4A5-Related Nephropathy. Identifiers: Orphanet 63, Orphanet 88917, MedGen C4746986, MONDO:0010520, OMIM 301050.

Submission:

Victorian Clinical Genetics Services, Murdoch Childrens Research Institute
Classification: Pathogenic for X-linked Alport syndrome. Last evaluated: 2025-08-25. Review status: criteria provided, single submitter. Criteria: ACMG Guidelines, 2015. Collection method: clinical testing. Allele origin: germline. Affected: yes.
Comment: This variant is classified as Pathogenic. Evidence in support of pathogenic classification: Variant is predicted to cause nonsense-mediated decay (NMD) and loss of protein (premature termination codon is located at least 54 nucleotides upstream of the final exon-exon junction). This variant is a deletion of the first nucleotide of exon 27 and may impact splicing; Variant is absent from gnomAD (v2, v3 and v4); Other NMD-predicted variant(s) comparable to the one identified in this case have very strong previous evidence for pathogenicity (ClinVar). Additional information: This variant is heterozygous; This gene is associated with X-linked dominant disease. Males are typically more severely affected than females (PMID: 19965530); This variant has no previous evidence of pathogenicity; No published evidence of segregation with disease has been identified for this variant; No published functional evidence has been identified for this variant; Dominant negative and loss of function are known mechanisms of disease in this gene and are associated with X-linked Alport syndrome 1 (MIM#301050). Dominant negative is caused mostly by glycine substitutions that affect the conformation of the protein, and loss of function can be caused by either protein truncating or missense variants (PMID: 24046192, 12028435); Variants in this gene are known to have variable expressivity. There is intrafamilial variability among affected carrier females, possibly due to variable X-inactivation (PMID: 14514738); Inheritance information for this variant is not currently available in this individual.

Literature cited by the submitters: PubMed 19965530; PubMed 24046192; PubMed 12028435; PubMed 14514738.